The following is an entry in ClinVar:

NM_020247.5(COQ8A):c.629_630del (p.Arg210fs)

Gene: COQ8A (coenzyme Q8A; plus strand). Cytogenetic location: 1q42.13.
Variant type: Deletion.
Coding change: c.629_630del on transcript NM_020247.5 (MANE Select); coding-DNA positions 629 to 630, 2 bases deleted (GG; older notation c.629_630delGG).
Protein change: p.Arg210fs; shifts the reading frame from arginine 210.
Molecular consequence: frameshift variant.
Genome position (GRCh38, 1-based): chr1:226,965,711-226,965,712, GG deleted. VCF-style (leftmost placement, unchanged base first): chr1-226965710-AGG-A. GRCh37 (hg19) VCF-style: chr1-227153411-AGG-A.
Other names: short protein forms R210fs.
Identifiers: ClinVar variation 1075249 (VCV001075249.7), dbSNP rs745867840, ClinGen allele CA1425079.

ClinVar aggregate classification (germline): Pathogenic (1 of 4 stars; one submission).

Allele frequency attached by ClinVar (database versions not stated): ExAC 0.00001; gnomAD 0.00001; gnomAD exomes 0.00001.

Submission:

Labcorp Genetics (formerly Invitae), Labcorp
Classification: Pathogenic. Last evaluated: 2017-11-20. Review status: criteria provided, single submitter. Criteria: Invitae Variant Classification Sherloc (09022015). Collection method: clinical testing. Allele origin: germline.
Comment: This sequence change creates a premature translational stop signal (p.Arg210Asnfs*76) in the COQ8A gene. It is expected to result in an absent or disrupted protein product. For these reasons, this variant has been classified as Pathogenic. Loss-of-function variants in COQ8A are known to be pathogenic (PMID: 18319074, 20580948). This variant has not been reported in the literature in individuals with COQ8A-related disease. This variant is present in population databases (rs745867840, ExAC 0.006%).

Literature cited by the submitters: PubMed 18319074; PubMed 20580948.